The following is an entry in ClinVar:

ClinVar aggregate classification (germline): Conflicting classifications of pathogenicity. Review status: criteria provided, conflicting classifications (1 of 4 stars). 8 submissions from 8 submitters: Uncertain significance (5); Likely benign (2). 1 of the submissions does not count toward it. Last evaluated 2025-12-02.

Conditions:
Intellectual disability. Also called: intellectual disabilities; Intellectual developmental disorder; Intellectual functioning disability. Identifiers: MedGen C3714756, MeSH D008607, MONDO:0001071, HP:0001249.
ANO5-Related Muscle Diseases. Identifiers: MedGen CN180644.
Autosomal recessive limb-girdle muscular dystrophy type 2L (LGMDR12). Also called: MUSCULAR DYSTROPHY, LIMB-GIRDLE, AUTOSOMAL RECESSIVE 12; Limb-girdle muscular dystrophy, type 2L; Limb-Girdle Muscular Dystrophy R12 Anoctamin-5-Related (LGMD-R12). Identifiers: Orphanet 206549, MedGen C1969785, MONDO:0012652, OMIM 611307.
Gnathodiaphyseal dysplasia (GDD). Also called: OSTEOGENESIS IMPERFECTA WITH UNUSUAL SKELETAL LESIONS; GNATHODIAPHYSEAL SCLEROSIS. Identifiers: Orphanet 53697, MedGen C1833736, MONDO:0008151, OMIM 166260.

Allele frequency attached by ClinVar (database versions not stated): ExAC 0.00007; gnomAD 0.00007 and 0.00008; TOPMed 0.00007; gnomAD exomes 0.00011 and 0.00012; ESP Exome Variant Server 0.00015.
gnomAD v4.1: 181 of 1,613,972 alleles (0.011%); highest among the groups gnomAD compares: Middle Eastern, 0.016%; no homozygotes.

Submissions (8):

Labcorp Genetics (formerly Invitae), Labcorp
Classification: Likely benign for Autosomal recessive limb-girdle muscular dystrophy type 2L; Gnathodiaphyseal dysplasia. Last evaluated: 2025-12-02. Review status: criteria provided, single submitter. Criteria: Invitae Variant Classification Sherloc (09022015). Collection method: clinical testing. Allele origin: germline.

Revvity Omics, Revvity
Classification: Uncertain significance. Last evaluated: 2024-12-19. Review status: criteria provided, single submitter. Criteria: ACMG Guidelines, 2015. Collection method: clinical testing. Allele origin: germline.

Blueprint Genetics
Classification: Likely benign. Last evaluated: 2024-10-10. Review status: criteria provided, single submitter. Criteria: ACMG Guidelines, 2015. Collection method: clinical testing. Allele origin: germline.

CeGaT Center for Human Genetics Tuebingen
Classification: Uncertain significance. Last evaluated: 2024-08-01. Review status: criteria provided, single submitter. Criteria: CeGaT Center For Human Genetics Tuebingen Variant Classification Criteria Version 2. Collection method: clinical testing. Allele origin: germline. Affected: yes. Observed: 3 variant alleles.
Comment: ANO5: PM2, BP4

Mayo Clinic Laboratories, Mayo Clinic
Classification: Uncertain significance. Last evaluated: 2024-07-11. Review status: criteria provided, single submitter. Criteria: ACMG Guidelines, 2015. Collection method: clinical testing. Allele origin: germline. Observed: 1 variant allele.
Comment: BP4

Illumina Laboratory Services, Illumina
Classification: Uncertain significance for ANO5-Related Muscle Diseases. Last evaluated: 2017-04-28. Review status: criteria provided, single submitter. Criteria: ICSL Variant Classification Criteria 13 December 2019. Collection method: clinical testing. Allele origin: germline.
Comment: This variant was observed as part of a predisposition screen in an ostensibly healthy population. A literature search was performed for the gene, cDNA change, and amino acid change (where applicable). Publications were found based on this search. However, the evidence from the literature, in combination with allele frequency data from public databases where available, was not sufficient to rule this variant in or out of causing disease. Therefore, this variant is classified as a variant of unknown significance.

Eurofins Ntd Llc (ga)
Classification: Uncertain significance. Last evaluated: 2016-12-21. Review status: criteria provided, single submitter. Criteria: EGL Classification Definitions 2015. Collection method: clinical testing. Allele origin: germline. Observed: 1 variant allele, 1 heterozygote.

Centre de Biologie Pathologie Génétique, Centre Hospitalier Universitaire de Lille
Classification: Likely benign for Intellectual disability. Last evaluated: 2019-01-01. Review status: no assertion criteria provided. Collection method: clinical testing. Allele origin: inherited. Affected: yes. Not counted in ClinVar's aggregate classification.

Literature cited by the submitters: PubMed 25891276 (cited by Mayo Clinic Laboratories, Mayo Clinic and Illumina Laboratory Services, Illumina).

NM_213599.3(ANO5):c.1516A>G (p.Ser506Gly)

Gene: ANO5 (anoctamin 5; plus strand). Cytogenetic location: 11p14.3.
Variant type: single nucleotide variant.
Coding change: c.1516A>G on transcript NM_213599.3 (MANE Select); coding-DNA position 1516, A replaced by G.
Protein change: p.Ser506Gly; replaces serine 506 with glycine.
Molecular consequence: missense variant.
Genome position (GRCh38, 1-based): chr11:22,259,627, A>G. VCF-style: chr11-22259627-A-G. GRCh37 (hg19) VCF-style: chr11-22281173-A-G.
Other names: p.Ser506Gly; c.1513A>G, p.Ser505Gly (NM_001142649.2); short protein forms S506G, S505G.
Identifiers: ClinVar variation 499011 (VCV000499011.52), dbSNP rs141799673, ClinGen allele CA5923275.
Genomic context (GRCh38, chr11:22,259,627, plus strand): 5'-TCAGTCTTTGCTACATTTGCTAGTTTCATGGAAAGTGATGCATCCTTAAAGCAGGTCAAA[A>G]GCTTCCTTACTCCTCAGATAACCACATCACTCACAGGATCATGCTTGAACTTTATTGTCA-3'
Protein context (NP_998764.1, residues 496-516): ESDASLKQVK[Ser506Gly]FLTPQITTSL